The following is an entry in ClinVar:

ClinVar aggregate classification (germline): Uncertain significance (1 of 4 stars; one submission).

Allele frequency attached by ClinVar (database versions not stated): ExAC 0.00001; gnomAD exomes 0.00001; TOPMed 0.00001; gnomAD 0.00002.
gnomAD v4.1: 11 of 1,613,884 alleles (0.00068%); highest among the groups gnomAD compares: Middle Eastern, 0.016%; no homozygotes.

Submission:

Labcorp Genetics (formerly Invitae), Labcorp
Classification: Uncertain significance. Last evaluated: 2021-10-28. Review status: criteria provided, single submitter. Criteria: Invitae Variant Classification Sherloc (09022015). Collection method: clinical testing. Allele origin: germline.
Comment: This variant is present in population databases (rs762333619, gnomAD 0.006%). In summary, the available evidence is currently insufficient to determine the role of this variant in disease. Therefore, it has been classified as a Variant of Uncertain Significance. Algorithms developed to predict the effect of missense changes on protein structure and function (SIFT, PolyPhen-2, Align-GVGD) all suggest that this variant is likely to be disruptive. This variant has not been reported in the literature in individuals affected with ACE-related conditions. This sequence change replaces arginine, which is basic and polar, with tryptophan, which is neutral and slightly polar, at codon 858 of the ACE protein (p.Arg858Trp).

NM_000789.4(ACE):c.2572C>T (p.Arg858Trp)

Gene: ACE (angiotensin I converting enzyme; plus strand). Cytogenetic location: 17q23.3.
Variant type: single nucleotide variant.
Coding change: c.2572C>T on transcript NM_000789.4 (MANE Select); coding-DNA position 2572, C replaced by T.
Protein change: p.Arg858Trp; replaces arginine 858 with tryptophan.
Molecular consequence: missense variant. On other transcripts: non-coding transcript variant (1), intron variant (1).
Genome position (GRCh38, 1-based): chr17:63,489,063, C>T. VCF-style: chr17-63489063-C-T. GRCh37 (hg19) VCF-style: chr17-61566424-C-T.
Other names: c.850C>T, p.Arg284Trp (NM_001178057.2, NM_152830.3); c.2005C>T, p.Arg669Trp (NM_001382700.1); c.1720C>T, p.Arg574Trp (NM_001382701.1); c.379+272C>T (NM_001382702.1); short protein forms R574W, R858W, R284W, R669W.
Identifiers: ClinVar variation 1363445 (VCV001363445.4), dbSNP rs762333619, ClinGen allele CA8700155.